The following is an entry in ClinVar:

ClinVar aggregate classification (germline): Conflicting classifications of pathogenicity. Review status: criteria provided, conflicting classifications (1 of 4 stars). 8 submissions from 8 submitters: Uncertain significance (5); Likely benign (2). 1 of the submissions does not count toward it. Last evaluated 2026-09-22.

Conditions:
TTN-related disorder. Also called: TTN-related condition; TTN-related disease; TTN-related disorders.
Cardiovascular phenotype. Identifiers: MedGen CN230736.
Dilated cardiomyopathy 1G (CMD1G). Identifiers: Orphanet 154, MedGen C1858763, MONDO:0011400, OMIM 604145.
Autosomal recessive limb-girdle muscular dystrophy type 2J (LGMDR10). Also called: Limb-girdle muscular dystrophy, type 2J; MUSCULAR DYSTROPHY, LIMB-GIRDLE, AUTOSOMAL RECESSIVE 10. Identifiers: Orphanet 140922, MedGen C1837342, MONDO:0012127, OMIM 608807.
Early-onset myopathy with fatal cardiomyopathy (CMYO5). Also called: Salih Myopathy; CONGENITAL MYOPATHY 5 WITH CARDIOMYOPATHY. Identifiers: Orphanet 289377, MedGen C2673677, MONDO:0012714, OMIM 611705. Disease mechanism: loss of function.
Tibial muscular dystrophy (TMD). Also called: Tibial muscular dystrophy, tardive; Udd Distal Myopathy – Tibial Muscular Dystrophy; UDD MYOPATHY. Identifiers: Orphanet 609, MedGen C1838244, MONDO:0010870, OMIM 600334.
Myopathy, myofibrillar, 9, with early respiratory failure (MFM9). Also called: Myopathy, distal, with early respiratory failure, autosomal dominant; MYOPATHY, PROXIMAL, WITH EARLY RESPIRATORY MUSCLE INVOLVEMENT; Hereditary myopathy with early respiratory failure; EDSTROM MYOPATHY. Identifiers: Orphanet 178464, Orphanet 34521, MedGen C1863599, MONDO:0011362, OMIM 603689.
Hypertrophic cardiomyopathy 9. Also called: Familial hypertrophic cardiomyopathy 9. Identifiers: MedGen C1861065, MONDO:0013412, OMIM 613765.

Submissions (8):

PreventionGenetics, part of Exact Sciences
Classification: Uncertain significance for TTN-related condition. Last evaluated: 2026-09-22. Review status: criteria provided, single submitter. Criteria: ACMG Guidelines, 2015. Collection method: clinical testing. Allele origin: germline.
Comment: The TTN c.86497_86498delinsTT variant is predicted to result in an in-frame deletion and insertion. To our knowledge, this variant has not been reported in the literature, indicating this variant is rare. This variant is reported in 0.062% of alleles in individuals of African descent in gnomAD. At this time, the clinical significance of this variant is uncertain due to the absence of conclusive functional and genetic evidence.

Women's Health and Genetics/Laboratory Corporation of America, LabCorp
Classification: Likely benign. Last evaluated: 2025-06-23. Review status: criteria provided, single submitter. Criteria: LabCorp Variant Classification Summary - May 2015. Collection method: clinical testing. Allele origin: germline.
Comment: Variant summary: TTN c.78793_78794delinsTT (p.Ala26265Phe) results in a non-conservative amino acid change in the encoded protein sequence. Algorithms developed to predict the effect of missense changes on protein structure and function are either unavailable or do not agree on the potential impact of this missense change. The variant allele was found at a frequency of 5.4e-05 in 279706 control chromosomes, predominantly at a frequency of 0.00062 within the African or African-American subpopulation in the gnomAD database. The observed variant frequency within African or African-American control individuals in the gnomAD database is approximately 1.6 fold of the estimated maximal expected allele frequency for a pathogenic variant in TTN causing Dilated Cardiomyopathy phenotype (0.00039). To our knowledge, no occurrence of c.78793_78794delinsTT in individuals affected with Dilated Cardiomyopathy and no experimental evidence demonstrating its impact on protein function have been reported. ClinVar contains an entry for this variant (Variation ID: 202935). Based on the evidence outlined above, the variant was classified as likely benign.

Fulgent Genetics
Classification: Uncertain significance for Tibial muscular dystrophy; Myopathy, myofibrillar, 9, with early respiratory failure; Dilated cardiomyopathy 1G; Autosomal recessive limb-girdle muscular dystrophy type 2J; Early-onset myopathy with fatal cardiomyopathy; Hypertrophic cardiomyopathy 9. Last evaluated: 2021-11-26. Review status: criteria provided, single submitter. Criteria: ACMG Guidelines, 2015. Collection method: clinical testing. Allele origin: unknown.

Ambry Genetics
Classification: Likely benign for Cardiovascular phenotype. Last evaluated: 2020-09-04. Review status: criteria provided, single submitter. Criteria: Ambry Variant Classification Scheme 2023. Collection method: clinical testing. Allele origin: germline.

Revvity Omics, Revvity
Classification: Uncertain significance. Last evaluated: 2019-08-28. Review status: criteria provided, single submitter. Criteria: ACMG Guidelines, 2015. Collection method: clinical testing. Allele origin: germline.

Mayo Clinic Laboratories, Mayo Clinic
Classification: Uncertain significance. Last evaluated: 2019-07-28. Review status: criteria provided, single submitter. Criteria: ACMG Guidelines, 2015. Collection method: clinical testing. Allele origin: germline. Observed: 1 variant allele.

Labcorp Genetics (formerly Invitae), Labcorp
Classification: Uncertain significance for Dilated cardiomyopathy 1G; Autosomal recessive limb-girdle muscular dystrophy type 2J. Last evaluated: 2017-12-11. Review status: criteria provided, single submitter. Criteria: Invitae Variant Classification Sherloc (09022015). Collection method: clinical testing. Allele origin: germline.

GeneDx
No classification provided. Last evaluated: 2014-10-27. Review status: no classification provided. Criteria: GeneDx Variant Classification (06012015). Collection method: clinical testing. Allele origin: germline. Affected: yes. Not counted in ClinVar's aggregate classification.
Comment: Missense variants in the TTN gene are considered 'unclassified' if they are not previously reported in the literature and do not have >1% frequency in the population to be considered a polymorphism. Research indicates that truncating mutations in the TTN gene are expected to account for approximately 25% of familial and 18% of sporadic idiopathic DCM; however, truncating variants in the TTN gene have been reported in approximately 3% of reported control alleles. There has been little investigation into non-truncating variants. (Herman D et al. Truncations of titin causing dilated cardiomyopathy. N Eng J Med 366:619-628, 2012) The variant is found in DCM-CRDM panel(s).

NM_001267550.2(TTN):c.86497_86498delinsTT (p.Ala28833Phe)

Genes: TTN (titin; minus strand), TTN-AS1 (TTN antisense RNA 1; plus strand). Cytogenetic location: 2q31.2.
Variant type: Indel.
Coding change: c.86497_86498delinsTT on transcript NM_001267550.2 (MANE Select); coding-DNA positions 86497 to 86498, GC replaced by TT.
Protein change: p.Ala28833Phe; replaces alanine 28833 with phenylalanine.
Molecular consequence: missense variant.
Genome position (GRCh38, 1-based): chr2:178,559,634-178,559,635, GC replaced by AA on the plus strand (GC replaced by TT on the coding strand, the reverse complement: TTN is on the minus strand). VCF-style: chr2-178559634-GC-AA. GRCh37 (hg19) VCF-style: chr2-179424361-GC-AA.
Other names: p.A27192F:GCT>TTT; c.86497_86498delGCinsTT (NM_001267550.2); c.59302_59303delGCinsTT (NM_003319.4); c.59302_59303delinsTT, p.Ala19768Phe (NM_003319.4); c.78793_78794delinsTT, p.Ala26265Phe (NM_133378.4); c.59677_59678delinsTT, p.Ala19893Phe (NM_133432.3); c.59878_59879delinsTT, p.Ala19960Phe (NM_133437.4); short protein forms A19960F, A19768F, A19893F, A26265F, A28833F.
Identifiers: ClinVar variation 202935 (VCV000202935.16), dbSNP rs794729519, ClinGen allele CA310735.